The following is an entry in ClinVar:

NM_004839.4(HOMER2):c.1023C>G (p.Thr341=)

Gene: HOMER2 (homer scaffold protein 2; minus strand). Cytogenetic location: 15q25.2.
Variant type: single nucleotide variant.
Coding change: c.1023C>G on transcript NM_004839.4 (MANE Select); coding-DNA position 1023, C replaced by G.
Protein change: p.Thr341=; no amino-acid change (threonine 341 retained).
Molecular consequence: synonymous variant.
Genome position (GRCh38, 1-based): chr15:82,849,724, G>C on the plus strand (C>G on the coding strand, the complement: HOMER2 is on the minus strand). VCF-style: chr15-82849724-G-C. GRCh37 (hg19) VCF-style: chr15-83518476-G-C.
Other names: c.1023C>G (NM_004839.3); c.1056C>G, p.Thr352= (NM_199330.3).
Identifiers: ClinVar variation 513748 (VCV000513748.9), dbSNP rs375487342, ClinGen allele CA7701937.
Genomic context (GRCh38, chr15:82,849,724, plus strand): 5'-TCTCGCACACACGCTTGGGACTCACGGGCGGGGCCTGGGCCTCGGCCAGCCCTAGTTATC[G>C]GTGCCCAGCTTGGAGAGCCCTCGGCGGAAGTCATGCAGGTCGTCAATCTTCCCGTCCAGC-3'
Protein context (NP_004830.2, residues 331-343): DFRRGLSKLG[Thr341=]DN

ClinVar aggregate classification (germline): Benign/Likely benign. Review status: criteria provided, multiple submitters, no conflicts (2 of 4 stars). 4 submissions from 4 submitters: Benign (1); Likely benign (2). 1 of the submissions does not count toward it. Last evaluated 2024-10-28.

Conditions:
HOMER2-related disorder. Also called: HOMER2-related condition.

Allele frequency attached by ClinVar (database versions not stated): gnomAD 0.00006; 1000 Genomes Project 30x 0.00172; 1000 Genomes Project 0.00220.
gnomAD v4.1: 420 of 1,613,214 alleles (0.026%); highest among the groups gnomAD compares: South Asian, 0.42%; 6 homozygotes.

Submissions (4):

Blueprint Genetics
Classification: Likely benign. Last evaluated: 2024-10-28. Review status: criteria provided, single submitter. Criteria: ACMG Guidelines, 2015. Collection method: clinical testing. Allele origin: germline.

Labcorp Genetics (formerly Invitae), Labcorp
Classification: Benign. Last evaluated: 2024-10-16. Review status: criteria provided, single submitter. Criteria: Invitae Variant Classification Sherloc (09022015). Collection method: clinical testing. Allele origin: germline.

GeneDx
Classification: Likely benign. Last evaluated: 2021-01-29. Review status: criteria provided, single submitter. Criteria: GeneDx Variant Classification Process June 2021. Collection method: clinical testing. Allele origin: germline. Affected: yes.

PreventionGenetics, part of Exact Sciences
Classification: Likely benign for HOMER2-related condition. Last evaluated: 2020-03-03. Review status: no assertion criteria provided. Collection method: clinical testing. Allele origin: germline. Not counted in ClinVar's aggregate classification.
Comment: This variant is classified as likely benign based on ACMG/AMP sequence variant interpretation guidelines (Richards et al. 2015 PMID: 25741868, with internal and published modifications).